The following is an entry in ClinVar:

ClinVar aggregate classification (germline): Likely benign (1 of 4 stars; one submission).

Conditions:
Congenital bile acid synthesis defect 2 (CBAS2). Also called: CHOLESTASIS WITH DELTA(4)-3-OXOSTEROID 5-BETA-REDUCTASE DEFICIENCY. Identifiers: Orphanet 79303, MedGen C1856127, MONDO:0009339, OMIM 235555.

Allele frequency attached by ClinVar (database versions not stated): gnomAD 0.01046 and 0.01057; TOPMed 0.01215; 1000 Genomes Project 30x 0.01530; 1000 Genomes Project 0.01637.

Submission:

Illumina Laboratory Services, Illumina
Classification: Likely benign for Congenital bile acid synthesis defect 2. Last evaluated: 2017-04-27. Review status: criteria provided, single submitter. Criteria: ICSL Variant Classification Criteria 13 December 2019. Collection method: clinical testing. Allele origin: germline.
Comment: This variant was observed as part of a predisposition screen in an ostensibly healthy population. A literature search was performed for the gene, cDNA change, and amino acid change (where applicable). No publications were found based on this search. Allele frequency data from public databases allowed determination this variant is unlikely to cause disease. Therefore, this variant is classified as likely benign.

NM_005989.4(AKR1D1):c.*1083T>C

Gene: AKR1D1 (aldo-keto reductase family 1 member D1; plus strand). Cytogenetic location: 7q33.
Variant type: single nucleotide variant.
Coding change: c.*1083T>C on transcript NM_005989.4 (MANE Select); 1083 bases downstream of the stop codon, T replaced by C.
Molecular consequence: 3 prime UTR variant.
Genome position (GRCh38, 1-based): chr7:138,117,745, T>C. VCF-style: chr7-138117745-T-C. GRCh37 (hg19) VCF-style: chr7-137802491-T-C.
Other names: c.*1083T>C (NM_001190906.2); c.*1108T>C (NM_001190907.2).
Identifiers: ClinVar variation 358971 (VCV000358971.5), dbSNP rs12532715, ClinGen allele CA10628220.